The following is an entry in ClinVar:

ClinVar aggregate classification (germline): Uncertain significance (1 of 4 stars; one submission).

Conditions:
Inborn genetic diseases. Identifiers: MedGen C0950123, MeSH D030342.

Submission:

Ambry Genetics
Classification: Uncertain significance for Inborn genetic diseases. Last evaluated: 2024-12-08. Review status: criteria provided, single submitter. Criteria: Ambry Variant Classification Scheme 2023. Collection method: clinical testing. Allele origin: germline.
Comment: The p.H194Y variant (also known as c.580C>T), located in coding exon 8 of the ASXL1 gene, results from a C to T substitution at nucleotide position 580. The histidine at codon 194 is replaced by tyrosine, an amino acid with similar properties. This amino acid position is conserved. In addition, this alteration is predicted to be tolerated by in silico analysis. Based on the available evidence, the clinical significance of this variant remains unclear.

NM_015338.6(ASXL1):c.580C>T (p.His194Tyr)

Gene: ASXL1 (ASXL transcriptional regulator 1; plus strand). Cytogenetic location: 20q11.21.
Variant type: single nucleotide variant.
Coding change: c.580C>T on transcript NM_015338.6 (MANE Select); coding-DNA position 580, C replaced by T.
Protein change: p.His194Tyr; replaces histidine 194 with tyrosine.
Molecular consequence: missense variant. On other transcripts: intron variant (1).
Genome position (GRCh38, 1-based): chr20:32,429,915, C>T. VCF-style: chr20-32429915-C-T. GRCh37 (hg19) VCF-style: chr20-31017718-C-T.
Other names: c.535+484C>T (NM_001363734.1); short protein forms H194Y.
Identifiers: ClinVar variation 3439686 (VCV003439686.1).
Genomic context (GRCh38, chr20:32,429,915, plus strand): 5'-GCGCGGCTTGGTGATACTTTTGACCAGTGGAATGCTGTGCCTTCAGGGTTCTCGGGCTGC[C>T]ACGCCGATGGCGAGAGCGGCAGCCCGTCCAGCAGCAGCAGCGGCTCTCTGGCCCTGGGCA-3'
Protein context (NP_056153.2, residues 184-204): VESASGFSGC[His194Tyr]ADGESGSPSS